The following is an entry in ClinVar:

NM_001942.4(DSG1):c.1139T>C (p.Ile380Thr)

Gene: DSG1 (desmoglein 1; plus strand). Cytogenetic location: 18q12.1.
Variant type: single nucleotide variant.
Coding change: c.1139T>C on transcript NM_001942.4 (MANE Select); coding-DNA position 1139, T replaced by C.
Protein change: p.Ile380Thr; replaces isoleucine 380 with threonine.
Molecular consequence: missense variant.
Genome position (GRCh38, 1-based): chr18:31,336,487, T>C. VCF-style: chr18-31336487-T-C. GRCh37 (hg19) VCF-style: chr18-28916450-T-C.
Other names: short protein forms I380T.
Identifiers: ClinVar variation 3683847 (VCV003683847.2).

ClinVar aggregate classification (germline): Uncertain significance (1 of 4 stars; one submission).

Submission:

Labcorp Genetics (formerly Invitae), Labcorp
Classification: Uncertain significance. Last evaluated: 2024-10-28. Review status: criteria provided, single submitter. Criteria: Invitae Variant Classification Sherloc (09022015). Collection method: clinical testing. Allele origin: germline.
Comment: This sequence change replaces isoleucine, which is neutral and non-polar, with threonine, which is neutral and polar, at codon 380 of the DSG1 protein (p.Ile380Thr). This variant is present in population databases (no rsID available, gnomAD 0.006%). This variant has not been reported in the literature in individuals affected with DSG1-related conditions. Invitae Evidence Modeling of protein sequence and biophysical properties (such as structural, functional, and spatial information, amino acid conservation, physicochemical variation, residue mobility, and thermodynamic stability) indicates that this missense variant is not expected to disrupt DSG1 protein function with a negative predictive value of 80%. In summary, the available evidence is currently insufficient to determine the role of this variant in disease. Therefore, it has been classified as a Variant of Uncertain Significance.